The following is an entry in ClinVar:

ClinVar aggregate classification (germline): Conflicting classifications of pathogenicity. Review status: criteria provided, conflicting classifications (1 of 4 stars). 2 submissions from 2 submitters: Uncertain significance (1); Likely benign (1). Last evaluated 2026-01-25.

Conditions:
Hereditary cancer-predisposing syndrome. Also called: Tumor predisposition; Hereditary neoplastic syndrome; Hereditary Cancer Syndrome; Neoplastic Syndromes, Hereditary. Identifiers: Orphanet 140162, MedGen C0027672, MeSH D009386, MONDO:0015356.
BAP1-related tumor predisposition syndrome (TPDS1). Also called: Tumor susceptibility linked to germline BAP1 mutations; BAP1 tumor predisposition syndrome; COMMON Syndrome; TUMOR PREDISPOSITION SYNDROME 1. Identifiers: Orphanet 289539, MedGen C3280492, MONDO:0013692, OMIM 614327.

Allele frequency attached by ClinVar (database versions not stated): TOPMed 0.00002.
gnomAD v4.1: 1 of 1,613,982 alleles (0.000062%); highest among the groups gnomAD compares: African/African-American, 0.0013%; no homozygotes.

Submissions (2):

Labcorp Genetics (formerly Invitae), Labcorp
Classification: Uncertain significance for BAP1-related tumor predisposition syndrome. Last evaluated: 2026-01-25. Review status: criteria provided, single submitter. Criteria: Invitae Variant Classification Sherloc (09022015). Collection method: clinical testing. Allele origin: germline.
Comment: This sequence change replaces threonine, which is neutral and polar, with arginine, which is basic and polar, at codon 423 of the BAP1 protein (p.Thr423Arg). This variant is not present in population databases (gnomAD no frequency). This variant has not been reported in the literature in individuals affected with BAP1-related conditions. ClinVar contains an entry for this variant (Variation ID: 578216). Invitae Evidence Modeling of protein sequence and biophysical properties (such as structural, functional, and spatial information, amino acid conservation, physicochemical variation, residue mobility, and thermodynamic stability) indicates that this missense variant is not expected to disrupt BAP1 protein function with a negative predictive value of 80%. In summary, the available evidence is currently insufficient to determine the role of this variant in disease. Therefore, it has been classified as a Variant of Uncertain Significance.

Ambry Genetics
Classification: Likely benign for Hereditary cancer-predisposing syndrome. Last evaluated: 2025-11-13. Review status: criteria provided, single submitter. Criteria: Ambry Variant Classification Scheme 2023. Collection method: clinical testing. Allele origin: germline.

NM_004656.4(BAP1):c.1268C>G (p.Thr423Arg)

Gene: BAP1 (BRCA1 associated deubiquitinase 1; minus strand). Cytogenetic location: 3p21.1.
Variant type: single nucleotide variant.
Coding change: c.1268C>G on transcript NM_004656.4 (MANE Select); coding-DNA position 1268, C replaced by G.
Protein change: p.Thr423Arg; replaces threonine 423 with arginine.
Molecular consequence: missense variant.
Genome position (GRCh38, 1-based): chr3:52,403,877, G>C on the plus strand (C>G on the coding strand, the complement: BAP1 is on the minus strand). VCF-style: chr3-52403877-G-C. GRCh37 (hg19) VCF-style: chr3-52437893-G-C.
Other names: short protein forms T423R.
Identifiers: ClinVar variation 578216 (VCV000578216.9), dbSNP rs115109161, ClinGen allele CA353102443.